The following is an entry in ClinVar:

NM_002202.3(ISL1):c.766-1G>A

Gene: ISL1 (ISL LIM homeobox 1; plus strand). Cytogenetic location: 5q11.1.
Variant type: single nucleotide variant.
Coding change: c.766-1G>A on transcript NM_002202.3 (MANE Select); the canonical splice acceptor site of the intron before coding-DNA position 766, G replaced by A.
Molecular consequence: splice acceptor variant.
Genome position (GRCh38, 1-based): chr5:51,391,273, G>A. VCF-style: chr5-51391273-G-A. GRCh37 (hg19) VCF-style: chr5-50687107-G-A.
Identifiers: ClinVar variation 545557 (VCV000545557.2), dbSNP rs1561208602, ClinGen allele CA359712941.
Genomic context (GRCh38, chr5:51,391,273, plus strand): 5'-CAACGGAGGGAGGGAATTTGCTCATTAACATGTTGGGATTGGTTGGGGGGCCTATTCACA[G>A]AATATCCAGGGGATGACAGGAACTCCCATGGTGGCTGCCAGTCCAGAGAGACACGACGGT-3'

ClinVar aggregate classification (germline): Uncertain significance (0 of 4 stars; one submission).

Conditions:
Abnormal heart morphology. Also called: Abnormality of cardiac morphology; Heart, malformation of. Identifiers: MedGen C0018798, MeSH D006330, HP:0001627.

Submission:

Lupski Lab, Baylor-Hopkins CMG, Baylor College of Medicine
Classification: Uncertain significance for Abnormal heart morphology. Last evaluated: 2018-05-28. Review status: no assertion criteria provided. Collection method: research. Allele origin: germline. Affected: yes. Observed: 1 variant allele.
Comment: This gene has not been previously associated with human disease.